The following is an entry in ClinVar:

NM_001853.4(COL9A3):c.847-147C>A

Gene: COL9A3 (collagen type IX alpha 3 chain; plus strand). Cytogenetic location: 20q13.33.
Variant type: single nucleotide variant.
Coding change: c.847-147C>A on transcript NM_001853.4 (MANE Select); 147 bases into the intron before coding-DNA position 847, C replaced by A.
Molecular consequence: intron variant.
Genome position (GRCh38, 1-based): chr20:62,827,776, C>A. VCF-style: chr20-62827776-C-A. GRCh37 (hg19) VCF-style: chr20-61459128-C-A.
Identifiers: ClinVar variation 678465 (VCV000678465.1), dbSNP rs34689750, ClinGen allele CA14765344.

ClinVar aggregate classification (germline): Benign (1 of 4 stars; one submission).

Allele frequency attached by ClinVar (database versions not stated): 1000 Genomes Project 0.12780; 1000 Genomes Project 30x 0.12883; TOPMed 0.15776; gnomAD 0.16202 and 0.16663.
gnomAD v4.1: 120,069 of 805,952 alleles (15%); highest among the groups gnomAD compares: African/African-American, 19%; 9,913 homozygotes.

Submission:

GeneDx
Classification: Benign. Last evaluated: 2018-06-16. Review status: criteria provided, single submitter. Criteria: GeneDx Variant Classification (06012015). Collection method: clinical testing. Allele origin: germline. Affected: yes.
Comment: This variant is considered likely benign or benign based on one or more of the following criteria: it is a conservative change, it occurs at a poorly conserved position in the protein, it is predicted to be benign by multiple in silico algorithms, and/or has population frequency not consistent with disease.